The following is an entry in ClinVar:

ClinVar aggregate classification (germline): Uncertain significance (1 of 4 stars; one submission).

Allele frequency attached by ClinVar (database versions not stated): gnomAD exomes below 0.00001; ExAC 0.00001.
gnomAD v4.1: 1 of 1,614,106 alleles (0.000062%); highest among the groups gnomAD compares: Non-Finnish European, 0.000085%; no homozygotes.

Submission:

Labcorp Genetics (formerly Invitae), Labcorp
Classification: Uncertain significance. Last evaluated: 2022-06-10. Review status: criteria provided, single submitter. Criteria: Invitae Variant Classification Sherloc (09022015). Collection method: clinical testing. Allele origin: germline.
Comment: In summary, the available evidence is currently insufficient to determine the role of this variant in disease. Therefore, it has been classified as a Variant of Uncertain Significance. Algorithms developed to predict the effect of sequence changes on RNA splicing suggest that this variant may disrupt the consensus splice site. This variant has not been reported in the literature in individuals affected with HMCN1-related conditions. This variant is present in population databases (rs754846722, gnomAD 0.0009%). This sequence change affects an acceptor splice site in intron 88 of the HMCN1 gene. It is expected to disrupt RNA splicing. Variants that disrupt the donor or acceptor splice site typically lead to a loss of protein function (PMID: 16199547), however the current clinical and genetic evidence is not sufficient to establish whether loss-of-function variants in HMCN1 cause disease.

Literature cited by the submitters: PubMed 16199547.

NM_031935.3(HMCN1):c.13754-2A>G

Gene: HMCN1 (hemicentin 1; plus strand). Cytogenetic location: 1q31.1.
Variant type: single nucleotide variant.
Coding change: c.13754-2A>G on transcript NM_031935.3 (MANE Select); the canonical splice acceptor site of the intron before coding-DNA position 13754, A replaced by G.
Molecular consequence: splice acceptor variant.
Genome position (GRCh38, 1-based): chr1:186,137,800, A>G. VCF-style: chr1-186137800-A-G. GRCh37 (hg19) VCF-style: chr1-186106932-A-G.
Identifiers: ClinVar variation 2004418 (VCV002004418.4), dbSNP rs754846722, ClinGen allele CA1294753.
Genomic context (GRCh38, chr1:186,137,800, plus strand): 5'-CCCCAGTGTAAGTATTCCCAATTGAAATATACCTGATGGTGTAATGGTTCACCTTTGTAT[A>G]GTGGATGGTAGCTGGTCGGAATGGAGTCTTTGGGAAGAATGCACAAGGAGCTGTGGACGC-3'